The following is an entry in ClinVar:

NM_006514.4(SCN10A):c.5756C>T (p.Pro1919Leu)

Gene: SCN10A (sodium voltage-gated channel alpha subunit 10; minus strand). Cytogenetic location: 3p22.2.
Variant type: single nucleotide variant.
Coding change: c.5756C>T on transcript NM_006514.4 (MANE Select); coding-DNA position 5756, C replaced by T.
Protein change: p.Pro1919Leu; replaces proline 1919 with leucine.
Molecular consequence: missense variant.
Genome position (GRCh38, 1-based): chr3:38,697,464, G>A on the plus strand (C>T on the coding strand, the complement: SCN10A is on the minus strand). VCF-style: chr3-38697464-G-A. GRCh37 (hg19) VCF-style: chr3-38738955-G-A.
Other names: c.5756C>T (NM_006514.2); c.5753C>T, p.Pro1918Leu (NM_001293306.2); c.5462C>T, p.Pro1821Leu (NM_001293307.2); short protein forms P1919L, P1821L, P1918L.
Identifiers: ClinVar variation 665419 (VCV000665419.7), dbSNP rs1047449169, ClinGen allele CA72946703.

ClinVar aggregate classification (germline): Uncertain significance. Review status: criteria provided, multiple submitters, no conflicts (2 of 4 stars). 3 submissions from 3 submitters: Uncertain significance (3). Last evaluated 2026-09-03.

Conditions:
Cardiovascular phenotype. Identifiers: MedGen CN230736.
Brugada syndrome. Also called: Sudden unexplained nocturnal death syndrome; Sudden Unexplained Death Syndrome; Sudden Unexplained Nocturnal Death Syndrome (SUNDS); Sudden unexpected nocturnal death syndrome. Identifiers: Orphanet 130, MedGen C1142166, MONDO:0015263.

Allele frequency attached by ClinVar (database versions not stated): gnomAD 0.00005 and 0.00004; TOPMed 0.00006; gnomAD exomes below 0.00001.
gnomAD v4.1: 13 of 1,614,038 alleles (0.00081%); highest among the groups gnomAD compares: Admixed American, 0.005%; no homozygotes.

Submissions (3):

GeneDx
Classification: Uncertain significance. Last evaluated: 2026-09-03. Review status: criteria provided, single submitter. Criteria: GeneDx Variant Classification Process June 2021. Collection method: clinical testing. Allele origin: germline.
Comment: Has not been previously published as pathogenic or benign to our knowledge; Not observed at significant frequency in large population cohorts (gnomAD); In silico analysis supports that this missense variant has a deleterious effect on protein structure/function

Ambry Genetics
Classification: Uncertain significance for Cardiovascular phenotype. Last evaluated: 2025-11-04. Review status: criteria provided, single submitter. Criteria: Ambry Variant Classification Scheme 2023. Collection method: clinical testing. Allele origin: germline.
Comment: The p.P1919L variant (also known as c.5756C>T), located in coding exon 27 of the SCN10A gene, results from a C to T substitution at nucleotide position 5756. The proline at codon 1919 is replaced by leucine, an amino acid with similar properties. This amino acid position is highly conserved in available vertebrate species. In addition, this alteration is predicted to be deleterious by in silico analysis. The evidence for this gene-disease relationship is limited; therefore, the clinical significance of this alteration is unclear.

Labcorp Genetics (formerly Invitae), Labcorp
Classification: Uncertain significance for Brugada syndrome. Last evaluated: 2022-07-14. Review status: criteria provided, single submitter. Criteria: Invitae Variant Classification Sherloc (09022015). Collection method: clinical testing. Allele origin: germline.
Comment: This sequence change replaces proline, which is neutral and non-polar, with leucine, which is neutral and non-polar, at codon 1919 of the SCN10A protein (p.Pro1919Leu). This variant is present in population databases (no rsID available, gnomAD 0.004%). This variant has not been reported in the literature in individuals affected with SCN10A-related conditions. ClinVar contains an entry for this variant (Variation ID: 665419). Advanced modeling of protein sequence and biophysical properties (such as structural, functional, and spatial information, amino acid conservation, physicochemical variation, residue mobility, and thermodynamic stability) performed at Invitae indicates that this missense variant is expected to disrupt SCN10A protein function. In summary, the available evidence is currently insufficient to determine the role of this variant in disease. Therefore, it has been classified as a Variant of Uncertain Significance.